The following is an entry in ClinVar:

ClinVar aggregate classification (germline): Uncertain significance. Review status: criteria provided, multiple submitters, no conflicts (2 of 4 stars). 4 submissions from 4 submitters: Uncertain significance (2). 2 of the submissions do not count toward it. Last evaluated 2025-12-29.

Conditions:
Self-limited epilepsy with centrotemporal spikes. Also called: Childhood epilepsy with centrotemporal spikes; Rolandic epilepsy. Identifiers: Orphanet 1945, MedGen C0376532, MONDO:0007295.
Febrile seizures, familial, 11 (FEB11). Also called: CONVULSIONS, FAMILIAL FEBRILE, 11. Identifiers: MedGen C3280734, MONDO:0024566, OMIM 614418.
Intellectual disability. Also called: Intellectual developmental disorder; Intellectual functioning disability; intellectual disabilities. Identifiers: MedGen C3714756, MeSH D008607, MONDO:0001071, HP:0001249.

Allele frequency attached by ClinVar (database versions not stated): gnomAD 0.00007 and 0.00008; ESP Exome Variant Server 0.00015; ExAC 0.00007; TOPMed 0.00009; gnomAD exomes 0.00007.
gnomAD v4.1: 110 of 1,613,406 alleles (0.0068%); highest among the groups gnomAD compares: Non-Finnish European, 0.0083%; no homozygotes.

Submissions (4):

Women's Health and Genetics/Laboratory Corporation of America, LabCorp
Classification: Uncertain significance. Last evaluated: 2025-12-29. Review status: criteria provided, single submitter. Criteria: LabCorp Variant Classification Summary - May 2015. Collection method: clinical testing. Allele origin: germline.
Comment: Variant summary: CPA6 c.557A>G (p.Lys186Arg) results in a conservative amino acid change in the encoded protein sequence. Algorithms developed to predict the effect of missense changes on protein structure and function are either unavailable or do not agree on the potential impact of this missense change. The variant allele was found at a frequency of 6.8e-05 in 251124 control chromosomes. This frequency is not significantly higher than estimated for disease-causing variants in CPA6, allowing no conclusion about variant significance. To our knowledge, no occurrence of c.557A>G in individuals affected with CPA6-related conditions and no experimental evidence demonstrating its impact on protein function have been reported. ClinVar contains an entry for this variant (Variation ID: 433109). Based on the evidence outlined above, the variant was classified as uncertain significance.

Labcorp Genetics (formerly Invitae), Labcorp
Classification: Uncertain significance for Febrile seizures, familial, 11. Last evaluated: 2022-08-09. Review status: criteria provided, single submitter. Criteria: Invitae Variant Classification Sherloc (09022015). Collection method: clinical testing. Allele origin: germline.
Comment: This sequence change replaces lysine, which is basic and polar, with arginine, which is basic and polar, at codon 186 of the CPA6 protein (p.Lys186Arg). This variant is present in population databases (rs199576384, gnomAD 0.01%). This missense change has been observed in individual(s) with Rolandic epilepsy (PMID: 29358611). ClinVar contains an entry for this variant (Variation ID: 433109). Algorithms developed to predict the effect of missense changes on protein structure and function are either unavailable or do not agree on the potential impact of this missense change (SIFT: "Deleterious"; PolyPhen-2: "Benign"; Align-GVGD: "Class C25"). In summary, the available evidence is currently insufficient to determine the role of this variant in disease. Therefore, it has been classified as a Variant of Uncertain Significance.

Centre de Biologie Pathologie Génétique, Centre Hospitalier Universitaire de Lille
Classification: Likely benign for Intellectual disability. Last evaluated: 2019-01-01. Review status: no assertion criteria provided. Collection method: clinical testing. Allele origin: inherited. Affected: yes. Not counted in ClinVar's aggregate classification.

Bioinformatics Core, Luxembourg Center for Systems Biomedicine
Classification: Pathogenic for Self-limited epilepsy with centrotemporal spikes. Last evaluated: 2017-01-01. Review status: no assertion criteria provided. Collection method: case-control. Allele origin: germline. Affected: yes. Study: EUROEPINOMICS COGIE. Not counted in ClinVar's aggregate classification.

Literature cited by the submitters: PubMed 29358611 (cited by Labcorp Genetics (formerly Invitae), Labcorp and Bioinformatics Core, Luxembourg Center for Systems Biomedicine).

NM_020361.5(CPA6):c.557A>G (p.Lys186Arg)

Gene: CPA6 (carboxypeptidase A6; minus strand). Cytogenetic location: 8q13.2.
Variant type: single nucleotide variant.
Coding change: c.557A>G on transcript NM_020361.5 (MANE Select); coding-DNA position 557, A replaced by G.
Protein change: p.Lys186Arg; replaces lysine 186 with arginine.
Molecular consequence: missense variant.
Genome position (GRCh38, 1-based): chr8:67,506,866, T>C on the plus strand (A>G on the coding strand, the complement: CPA6 is on the minus strand). VCF-style: chr8-67506866-T-C. GRCh37 (hg19) VCF-style: chr8-68419101-T-C.
Other names: short protein forms K186R.
Identifiers: ClinVar variation 433109 (VCV000433109.9), dbSNP rs199576384, ClinGen allele CA4772933.